The following is an entry in ClinVar:

ClinVar aggregate classification (germline): Conflicting classifications of pathogenicity. Review status: criteria provided, conflicting classifications (1 of 4 stars). 2 submissions from 2 submitters: Uncertain significance (1); Likely benign (1). Last evaluated 2023-03-23.

Conditions:
Hereditary cancer-predisposing syndrome. Also called: Neoplastic Syndromes, Hereditary; Tumor predisposition; Hereditary Cancer Syndrome; Hereditary neoplastic syndrome. Identifiers: Orphanet 140162, MedGen C0027672, MeSH D009386, MONDO:0015356.

Submissions (2):

University of Washington Department of Laboratory Medicine, University of Washington
Classification: Likely benign for Hereditary cancer-predisposing syndrome. Last evaluated: 2023-03-23. Review status: criteria provided, single submitter. Criteria: Dines et al. (Genet Med. 2020). Collection method: curation. Allele origin: germline.
Comment: Missense variant in a coldspot region where missense variants are very unlikely to be pathogenic (PMID:31911673).

BRCA2 exon 11 coldspot. Reclassification based on statistical prior probability.

Ambry Genetics
Classification: Uncertain significance for Hereditary cancer-predisposing syndrome. Last evaluated: 2021-03-09. Review status: criteria provided, single submitter. Criteria: Ambry Variant Classification Scheme 2023. Collection method: clinical testing. Allele origin: germline.
Comment: The p.S1259R variant (also known as c.3777T>A), located in coding exon 10 of the BRCA2 gene, results from a T to A substitution at nucleotide position 3777. The serine at codon 1259 is replaced by arginine, an amino acid with dissimilar properties. This amino acid position is not well conserved in available vertebrate species. In addition, this alteration is predicted to be tolerated by in silico analysis. Since supporting evidence is limited at this time, the clinical significance of this alteration remains unclear.

NM_000059.4(BRCA2):c.3777T>A (p.Ser1259Arg)

Gene: BRCA2 (BRCA2 DNA repair associated; plus strand). Cytogenetic location: 13q13.1.
Variant type: single nucleotide variant.
Coding change: c.3777T>A on transcript NM_000059.4 (MANE Select); coding-DNA position 3777, T replaced by A.
Protein change: p.Ser1259Arg; replaces serine 1259 with arginine.
Molecular consequence: missense variant.
Genome position (GRCh38, 1-based): chr13:32,338,132, T>A. VCF-style: chr13-32338132-T-A. GRCh37 (hg19) VCF-style: chr13-32912269-T-A.
Other names: c.3777T>A, p.Ser1259Arg (NM_001406719.1, NM_001406720.1); short protein forms S1259R.
Identifiers: ClinVar variation 1734808 (VCV001734808.4), dbSNP rs2137499913, ClinGen allele CA387778299.
Genomic context (GRCh38, chr13:32,338,132, plus strand): 5'-ACTGTTTAGTGATATTGAGAATATTAGTGAGGAAACTTCTGCAGAGGTACATCCAATAAG[T>A]TTATCTTCAAGTAAATGTCATGATTCTGTTGTTTCAATGTTTAAGATAGAAAATCATAAT-3'
Protein context (NP_000050.3, residues 1249-1269): EETSAEVHPI[Ser1259Arg]LSSSKCHDSV